The following is an entry in ClinVar:

NM_000271.5(NPC1):c.2960_2963del (p.Lys987fs)

Gene: NPC1 (NPC intracellular cholesterol transporter 1; minus strand). Cytogenetic location: 18q11.2.
Variant type: Deletion.
Coding change: c.2960_2963del on transcript NM_000271.5 (MANE Select); coding-DNA positions 2960 to 2963, 4 bases deleted (AACA; older notation c.2960_2963delAACA).
Protein change: p.Lys987fs; shifts the reading frame from lysine 987.
Molecular consequence: frameshift variant.
Genome position (GRCh38, 1-based): chr18:23,538,620-23,538,623, TGTT deleted on the plus strand (AACA on the coding strand, the reverse complement: NPC1 is on the minus strand); deleting any 4 consecutive bases within chr18:23,538,620-23,538,625 gives the same sequence; the c. name uses the placement nearest the transcript's 3' end. VCF-style (leftmost placement, unchanged base first): chr18-23538619-CTGTT-C. GRCh37 (hg19) VCF-style: chr18-21118583-CTGTT-C.
Other names: short protein forms K987fs.
Identifiers: ClinVar variation 1376210 (VCV001376210.7), dbSNP rs2145366821, ClinGen allele CA2573155196.

ClinVar aggregate classification (germline): Pathogenic. Review status: criteria provided, multiple submitters, no conflicts (2 of 4 stars). 2 submissions from 2 submitters: Pathogenic (2). Last evaluated 2024-03-24.

Conditions:
Niemann-Pick disease, type C1. Also called: NIEMANN-PICK DISEASE, VARIANT TYPE C1; NEUROVISCERAL STORAGE DISEASE WITH VERTICAL SUPRANUCLEAR OPHTHALMOPLEGIA; NIEMANN-PICK DISEASE WITH CHOLESTEROL ESTERIFICATION BLOCK; NIEMANN-PICK DISEASE WITHOUT SPHINGOMYELINASE DEFICIENCY; NIEMANN-PICK DISEASE, CHRONIC NEURONOPATHIC FORM. Identifiers: Orphanet 646, MedGen C3179455, MONDO:0009757, OMIM 257220.

Submissions (2):

Myriad Genetics, Inc.
Classification: Pathogenic for Niemann-Pick disease, type C1. Last evaluated: 2024-03-24. Review status: criteria provided, single submitter. Criteria: Myriad Autosomal Dominant, Autosomal Recessive and X-Linked Classification Criteria (2023). Collection method: clinical testing. Allele origin: unknown.
Comment: NM_000271.4(NPC1):c.2960_2963delAACA(K987Rfs*9) is expected to be pathogenic in the context of Niemann-Pick disease type C1. This variant is predicted to lead to an abnormal or absent protein product due to the creation of a premature termination codon in NPC1, a gene where loss-of-function variants are known to be pathogenic. Please note: this variant was assessed in the context of healthy population screening.

Labcorp Genetics (formerly Invitae), Labcorp
Classification: Pathogenic for Niemann-Pick disease, type C1. Last evaluated: 2020-11-02. Review status: criteria provided, single submitter. Criteria: Invitae Variant Classification Sherloc (09022015). Collection method: clinical testing. Allele origin: germline.
Comment: For these reasons, this variant has been classified as Pathogenic. This sequence change creates a premature translational stop signal (p.Lys987Argfs*9) in the NPC1 gene. It is expected to result in an absent or disrupted protein product. Loss-of-function variants in NPC1 are known to be pathogenic (PMID: 9211850). This variant is not present in population databases (ExAC no frequency). This variant has not been reported in the literature in individuals with NPC1-related conditions.

Literature cited by the submitters: PubMed 9211850 (cited by Labcorp Genetics (formerly Invitae), Labcorp).